The following is an entry in ClinVar:

ClinVar aggregate classification (germline): Benign. Review status: criteria provided, multiple submitters, no conflicts (2 of 4 stars). 8 submissions from 7 submitters: Benign (8). Last evaluated 2026-02-04.

Conditions:
Autosomal recessive nonsyndromic hearing loss 23. Identifiers: Orphanet 90636, MedGen C1836027, MONDO:0012293, OMIM 609533.
Usher syndrome type 1F (USH1F). Also called: USHER SYNDROME, TYPE IF. Identifiers: Orphanet 231169, Orphanet 886, MedGen C1865885, MONDO:0011186, OMIM 602083.

Allele frequency attached by ClinVar (database versions not stated): ESP Exome Variant Server 0.78533; 1000 Genomes Project 0.60803; TOPMed 0.74248.
gnomAD v4.1: 1,128,708 of 1,589,456 alleles (71%); highest among the groups gnomAD compares: African/African-American, 85%; 412,237 homozygotes.

Submissions (8):

Labcorp Genetics (formerly Invitae), Labcorp
Classification: Benign. Last evaluated: 2026-02-04. Review status: criteria provided, single submitter. Criteria: Invitae Variant Classification Sherloc (09022015). Collection method: clinical testing. Allele origin: germline.

Blueprint Genetics
Classification: Benign. Last evaluated: 2024-11-27. Review status: criteria provided, single submitter. Criteria: ACMG Guidelines, 2015. Collection method: clinical testing. Allele origin: germline.

Genome-Nilou Lab
Classification: Benign for Autosomal recessive nonsyndromic hearing loss 23. Last evaluated: 2021-09-05. Review status: criteria provided, single submitter. Criteria: ACMG Guidelines, 2015. Collection method: clinical testing. Allele origin: germline. Affected: no.

Genome-Nilou Lab
Classification: Benign for Usher syndrome type 1F. Last evaluated: 2021-07-01. Review status: criteria provided, single submitter. Criteria: ACMG Guidelines, 2015. Collection method: clinical testing. Allele origin: germline. Affected: no.

Women's Health and Genetics/Laboratory Corporation of America, LabCorp
Classification: Benign. Last evaluated: 2016-04-26. Review status: criteria provided, single submitter. Criteria: LabCorp Variant Classification Summary - May 2015. Collection method: clinical testing. Allele origin: germline.
Comment: Variant summary: The variant of interest is located a non-conserved intronic position, not widely known to affect splicing, with 5/5 in silico programs via Alamut predicting no significant effect on splicing, although these predictions have yet to be functionally assessed. The variant of interest was observed in the large, broad control population, ExAC, with an allele frequency of 80522/121302 (including 28510 homozygotes), which indicates that the variant of interest is the major allele (most commonly found in the general population). In addition, a reputable clinical laboratory cites the variant with a classification of "benign." Therefore, the variant of interest is classified as Benign.

GeneDx
Classification: Benign. Last evaluated: 2015-03-03. Review status: criteria provided, single submitter. Criteria: GeneDx Variant Classification Process June 2021. Collection method: clinical testing. Allele origin: germline. Affected: yes.

Breakthrough Genomics
Classification: Benign. Review status: criteria provided, single submitter. Criteria: ACMG Guidelines, 2015. Collection method: not provided. Allele origin: germline. Inheritance: Autosomal recessive inheritance. Affected: yes.

PreventionGenetics, part of Exact Sciences
Classification: Benign. Review status: criteria provided, single submitter. Criteria: ACMG Guidelines, 2015. Collection method: clinical testing. Allele origin: germline.

NM_001384140.1(PCDH15):c.1590+20A>G

Gene: PCDH15 (protocadherin related 15; minus strand). Cytogenetic location: 10q21.1.
Variant type: single nucleotide variant.
Coding change: c.1590+20A>G on transcript NM_001384140.1 (MANE Select); 20 bases into the intron after coding-DNA position 1590, A replaced by G.
Molecular consequence: intron variant.
Genome position (GRCh38, 1-based): chr10:54,183,424, T>C on the plus strand (A>G on the coding strand, the complement: PCDH15 is on the minus strand). VCF-style: chr10-54183424-T-C. GRCh37 (hg19) VCF-style: chr10-55943184-T-C.
Other names: c.1590+20A>G (NM_001354420.2, NM_001354429.2, NM_001142772.2 and 6 more transcripts); c.1605+20A>G (NM_001142771.2, NM_001142763.2); c.1611+20A>G (NM_001354411.2); c.1626+20A>G (NM_001142769.3); c.1524+20A>G (NM_001354404.2, NM_001142773.2, NM_001142768.2); c.1479+20A>G (NM_001142767.2).
Identifiers: ClinVar variation 262145 (VCV000262145.18), dbSNP rs7093302, ClinGen allele CA5506330.